The following is an entry in ClinVar:

NM_001277115.2(DNAH11):c.6274-5T>C

Gene: DNAH11 (dynein axonemal heavy chain 11; plus strand). Cytogenetic location: 7p15.3.
Variant type: single nucleotide variant.
Coding change: c.6274-5T>C on transcript NM_001277115.2 (MANE Select); 5 bases into the intron before coding-DNA position 6274, T replaced by C.
Molecular consequence: intron variant.
Genome position (GRCh38, 1-based): chr7:21,704,429, T>C. VCF-style: chr7-21704429-T-C. GRCh37 (hg19) VCF-style: chr7-21744047-T-C.
Identifiers: ClinVar variation 359641 (VCV000359641.24), dbSNP rs74365849, ClinGen allele CA4180773.

ClinVar aggregate classification (germline): Likely benign. Review status: criteria provided, multiple submitters, no conflicts (2 of 4 stars). 5 submissions from 5 submitters: Likely benign (4). 1 of the submissions does not count toward it. Last evaluated 2026-01-28.

Conditions:
DNAH11-related disorder. Also called: DNAH11-related condition.
Primary ciliary dyskinesia. Also called: Ciliary dyskinesia. Identifiers: Orphanet 244, MedGen C0008780, MONDO:0016575, HP:0012265.

Allele frequency attached by ClinVar (database versions not stated): gnomAD exomes 0.00024 and 0.00036; ExAC 0.00030; gnomAD 0.00033 and 0.00035; TOPMed 0.00056.
gnomAD v4.1: 436 of 1,606,972 alleles (0.027%); highest among the groups gnomAD compares: Middle Eastern, 0.3%; 1 homozygote.

Submissions (5):

Labcorp Genetics (formerly Invitae), Labcorp
Classification: Likely benign for Primary ciliary dyskinesia. Last evaluated: 2026-01-28. Review status: criteria provided, single submitter. Criteria: Invitae Variant Classification Sherloc (09022015). Collection method: clinical testing. Allele origin: germline.

Women's Health and Genetics/Laboratory Corporation of America, LabCorp
Classification: Likely benign. Last evaluated: 2025-04-30. Review status: criteria provided, single submitter. Criteria: LabCorp Variant Classification Summary - May 2015. Collection method: clinical testing. Allele origin: germline.

Blueprint Genetics
Classification: Likely benign. Last evaluated: 2024-10-18. Review status: criteria provided, single submitter. Criteria: ACMG Guidelines, 2015. Collection method: clinical testing. Allele origin: germline.

Ambry Genetics
Classification: Likely benign for Primary ciliary dyskinesia. Last evaluated: 2018-03-08. Review status: criteria provided, single submitter. Criteria: Ambry Variant Classification Scheme 2023. Collection method: clinical testing. Allele origin: germline.

PreventionGenetics, part of Exact Sciences
Classification: Likely benign for DNAH11-related condition. Last evaluated: 2024-09-27. Review status: no assertion criteria provided. Collection method: clinical testing. Allele origin: germline. Not counted in ClinVar's aggregate classification.
Comment: This variant is classified as likely benign based on ACMG/AMP sequence variant interpretation guidelines (Richards et al. 2015 PMID: 25741868, with internal and published modifications).